The following is an entry in ClinVar:

ClinVar aggregate classification (germline): Uncertain significance (1 of 4 stars; one submission).

Conditions:
Dyskeratosis congenita, autosomal recessive 5 (DKCB5). Identifiers: MedGen C3554656, MONDO:0014076, OMIM 615190.
Pulmonary fibrosis and/or bone marrow failure, Telomere-related, 3. Also called: PULMONARY FIBROSIS AND/OR BONE MARROW FAILURE SYNDROME, TELOMERE-RELATED, 3. Identifiers: Orphanet 2032, MedGen C4225346, MONDO:0014613, OMIM 616373.

Submission:

Labcorp Genetics (formerly Invitae), Labcorp
Classification: Uncertain significance for Dyskeratosis congenita, autosomal recessive 5; Pulmonary fibrosis and/or bone marrow failure, Telomere-related, 3. Last evaluated: 2024-08-22. Review status: criteria provided, single submitter. Criteria: Invitae Variant Classification Sherloc (09022015). Collection method: clinical testing. Allele origin: germline.
Comment: This sequence change replaces leucine, which is neutral and non-polar, with phenylalanine, which is neutral and non-polar, at codon 907 of the RTEL1 protein (p.Leu907Phe). This variant is not present in population databases (gnomAD no frequency). This variant has not been reported in the literature in individuals affected with RTEL1-related conditions. An algorithm developed to predict the effect of missense changes on protein structure and function (PolyPhen-2) suggests that this variant is likely to be disruptive. In summary, the available evidence is currently insufficient to determine the role of this variant in disease. Therefore, it has been classified as a Variant of Uncertain Significance.

NM_001283009.2(RTEL1):c.2721G>T (p.Leu907Phe)

Genes: RTEL1-TNFRSF6B (RTEL1-TNFRSF6B readthrough (NMD candidate); plus strand), RTEL1 (regulator of telomere elongation helicase 1; plus strand). Cytogenetic location: 20q13.33.
Variant type: single nucleotide variant.
Coding change: c.2721G>T on transcript NM_001283009.2 (MANE Select); coding-DNA position 2721, G replaced by T.
Protein change: p.Leu907Phe; replaces leucine 907 with phenylalanine.
Molecular consequence: missense variant. On other transcripts: non-coding transcript variant (1).
Genome position (GRCh38, 1-based): chr20:63,692,873, G>T. VCF-style: chr20-63692873-G-T. GRCh37 (hg19) VCF-style: chr20-62324226-G-T.
Other names: c.2052G>T, p.Leu684Phe (NM_001283010.1); c.2721G>T, p.Leu907Phe (NM_016434.4); c.2793G>T, p.Leu931Phe (NM_032957.5); short protein forms L684F, L907F, L931F.
Identifiers: ClinVar variation 3762324 (VCV003762324.2).